The following is an entry in ClinVar:

NC_012920.1(MT-TS1):m.7499C>A

Gene: MT-TS1 (mitochondrially encoded tRNA serine 1 (UCN); minus strand).
Variant type: single nucleotide variant.
Genome position: chrM-7499-C-A.
Identifiers: ClinVar variation 690033 (VCV000690033.1), dbSNP rs1603220989, ClinGen allele CA913177223.
Genomic context (GRCh38, chrMT:7,499, plus strand): 5'-ATCTAGACAAAAAAGGAAGGAATCGAACCCCCCAAAGCTGGTTTCAAGCCAACCCCATGG[C>A]CTCCATGACTTTTTCAAAAAGGTATTAGAAAAACCATTTCATAACTTTGTCAAAGTTAAA-3'

ClinVar aggregate classification (germline): Uncertain significance (1 of 4 stars; one submission).

Conditions:
MELAS syndrome (MELAS). Also called: Juvenile myopathy, encephalopathy, lactic acidosis, stroke. Identifiers: Orphanet 550, MedGen C0162671, MONDO:0010789, OMIM 540000.

Submission:

Wong Mito Lab, Molecular and Human Genetics, Baylor College of Medicine
Classification: Uncertain significance for MELAS syndrome. Last evaluated: 2019-07-12. Review status: criteria provided, single submitter. Criteria: Modified ACMG Guidelines (Unpublished). Collection method: clinical testing. Allele origin: germline.
Comment: The NC_012920.1:m.7499C>A variant in MT-TS1 gene is interpreted to be a Unknown Significance variant based on the modified ACMG guidelines (unpublished). This variant meets the following evidence codes reported in the guidelines: PP7

Literature cited by the submitters: PubMed 31965079.